The following is an entry in ClinVar:

NM_000899.5(KITLG):c.375del (p.Lys125fs)

Gene: KITLG (KIT ligand; minus strand). Cytogenetic location: 12q21.32.
Variant type: Deletion.
Coding change: c.375del on transcript NM_000899.5 (MANE Select); coding-DNA position 375, one base deleted (A; older notation c.375delA).
Protein change: p.Lys125fs; shifts the reading frame from lysine 125.
Molecular consequence: frameshift variant.
Genome position (GRCh38, 1-based): chr12:88,516,479, T deleted on the plus strand (A on the coding strand, the reverse complement: KITLG is on the minus strand); the first of 7 consecutive T bases (chr12:88,516,479-88,516,485); deleting any one gives the same sequence. VCF-style (leftmost placement, unchanged base first): chr12-88516478-AT-A. GRCh37 (hg19) VCF-style: chr12-88910255-AT-A.
Other names: c.375del, p.Lys125fs (NM_003994.6); short protein forms K125fs.
Identifiers: ClinVar variation 4074363 (VCV004074363.1).

ClinVar aggregate classification (germline): Uncertain significance (1 of 4 stars; one submission).

Submission:

GeneDx
Classification: Uncertain significance. Last evaluated: 2025-02-11. Review status: criteria provided, single submitter. Criteria: GeneDx Variant Classification Process June 2021. Collection method: clinical testing. Allele origin: germline. Affected: yes.
Comment: Not observed at significant frequency in large population cohorts (gnomAD); Frameshift variant predicted to result in protein truncation or nonsense mediated decay in a gene for which loss-of-function is not an established mechanism of disease; Has not been previously published as pathogenic or benign to our knowledge